The following is an entry in ClinVar:

NM_177438.3(DICER1):c.493T>G (p.Ser165Ala)

Gene: DICER1 (dicer 1, ribonuclease III; minus strand). Cytogenetic location: 14q32.13.
Variant type: single nucleotide variant.
Coding change: c.493T>G on transcript NM_177438.3 (MANE Select); coding-DNA position 493, T replaced by G.
Protein change: p.Ser165Ala; replaces serine 165 with alanine.
Molecular consequence: missense variant.
Genome position (GRCh38, 1-based): chr14:95,130,138, A>C on the plus strand (T>G on the coding strand, the complement: DICER1 is on the minus strand). VCF-style: chr14-95130138-A-C. GRCh37 (hg19) VCF-style: chr14-95596475-A-C.
Other names: c.493T>G, p.Ser165Ala (NM_001195573.1, NM_001271282.3, NM_001291628.2 and 1 more transcripts); c.493T>G (NM_177438.2); short protein forms S165A.
Identifiers: ClinVar variation 1507813 (VCV001507813.10), dbSNP rs894664317, ClinGen allele CA390888499.

ClinVar aggregate classification (germline): Conflicting classifications of pathogenicity. Review status: criteria provided, conflicting classifications (1 of 4 stars). 2 submissions from 2 submitters: Uncertain significance (1); Likely benign (1). Last evaluated 2024-08-21.

Conditions:
DICER1-related tumor predisposition. Also called: DICER1 syndrome; DICER1-related pleuropulmonary blastoma cancer predisposition syndrome. Identifiers: Orphanet 284343, MedGen C3839822, MONDO:0100216.
Hereditary cancer-predisposing syndrome. Also called: Neoplastic Syndromes, Hereditary; Hereditary Cancer Syndrome; Tumor predisposition; Hereditary neoplastic syndrome. Identifiers: Orphanet 140162, MedGen C0027672, MeSH D009386, MONDO:0015356.

Submissions (2):

Ambry Genetics
Classification: Likely benign for Hereditary cancer-predisposing syndrome. Last evaluated: 2024-08-21. Review status: criteria provided, single submitter. Criteria: Ambry Variant Classification Scheme 2023. Collection method: clinical testing. Allele origin: germline.

Labcorp Genetics (formerly Invitae), Labcorp
Classification: Uncertain significance for DICER1-related tumor predisposition. Last evaluated: 2020-12-12. Review status: criteria provided, single submitter. Criteria: Invitae Variant Classification Sherloc (09022015). Collection method: clinical testing. Allele origin: germline.
Comment: In summary, the available evidence is currently insufficient to determine the role of this variant in disease. Therefore, it has been classified as a Variant of Uncertain Significance. Algorithms developed to predict the effect of missense changes on protein structure and function (SIFT, PolyPhen-2, Align-GVGD) all suggest that this variant is likely to be tolerated, but these predictions have not been confirmed by published functional studies and their clinical significance is uncertain. This variant has not been reported in the literature in individuals with DICER1-related conditions. This variant is not present in population databases (ExAC no frequency). This sequence change replaces serine with alanine at codon 165 of the DICER1 protein (p.Ser165Ala). The serine residue is moderately conserved and there is a moderate physicochemical difference between serine and alanine.